The following is an entry in ClinVar:

ClinVar aggregate classification (germline): Uncertain significance (1 of 4 stars; one submission).

Conditions:
Mowat-Wilson syndrome (MOWS). Also called: Classic Mowat-Wilson Syndrome. Identifiers: Orphanet 2152, MedGen C1856113, MONDO:0009341, OMIM 235730.

Submission:

Labcorp Genetics (formerly Invitae), Labcorp
Classification: Uncertain significance for Mowat-Wilson syndrome. Last evaluated: 2023-06-05. Review status: criteria provided, single submitter. Criteria: Invitae Variant Classification Sherloc (09022015). Collection method: clinical testing. Allele origin: germline.
Comment: In summary, the available evidence is currently insufficient to determine the role of this variant in disease. Therefore, it has been classified as a Variant of Uncertain Significance. Advanced modeling of protein sequence and biophysical properties (such as structural, functional, and spatial information, amino acid conservation, physicochemical variation, residue mobility, and thermodynamic stability) performed at Invitae indicates that this missense variant is expected to disrupt ZEB2 protein function. This variant has not been reported in the literature in individuals affected with ZEB2-related conditions. This sequence change replaces histidine, which is basic and polar, with tyrosine, which is neutral and polar, at codon 1076 of the ZEB2 protein (p.His1076Tyr). This variant is not present in population databases (gnomAD no frequency).

NM_014795.4(ZEB2):c.3226C>T (p.His1076Tyr)

Gene: ZEB2 (zinc finger E-box binding homeobox 2; minus strand). Cytogenetic location: 2q22.3.
Variant type: single nucleotide variant.
Coding change: c.3226C>T on transcript NM_014795.4 (MANE Select); coding-DNA position 3226, C replaced by T.
Protein change: p.His1076Tyr; replaces histidine 1076 with tyrosine.
Molecular consequence: missense variant.
Genome position (GRCh38, 1-based): chr2:144,389,870, G>A on the plus strand (C>T on the coding strand, the complement: ZEB2 is on the minus strand). VCF-style: chr2-144389870-G-A. GRCh37 (hg19) VCF-style: chr2-145147437-G-A.
Other names: c.3154C>T, p.His1052Tyr (NM_001171653.2); short protein forms H1052Y, H1076Y.
Identifiers: ClinVar variation 2692886 (VCV002692886.3), dbSNP rs2149872619, ClinGen allele CA348700165.